The following is an entry in ClinVar:

ClinVar aggregate classification (germline): Uncertain significance (1 of 4 stars; one submission).

gnomAD v4.1: 4 of 1,614,216 alleles (0.00025%); highest among the groups gnomAD compares: South Asian, 0.0044%; no homozygotes.

Submission:

GeneDx
Classification: Uncertain significance. Last evaluated: 2023-04-06. Review status: criteria provided, single submitter. Criteria: GeneDx Variant Classification Process June 2021. Collection method: clinical testing. Allele origin: germline. Affected: yes.
Comment: Not observed at significant frequency in large population cohorts (gnomAD); In silico analysis supports that this missense variant has a deleterious effect on protein structure/function; Has not been previously published as pathogenic or benign to our knowledge

NM_000092.5(COL4A4):c.4483T>C (p.Tyr1495His)

Gene: COL4A4 (collagen type IV alpha 4 chain; minus strand). Cytogenetic location: 2q36.3.
Variant type: single nucleotide variant.
Coding change: c.4483T>C on transcript NM_000092.5 (MANE Select); coding-DNA position 4483, T replaced by C.
Protein change: p.Tyr1495His; replaces tyrosine 1495 with histidine.
Molecular consequence: missense variant.
Genome position (GRCh38, 1-based): chr2:227,010,352, A>G on the plus strand (T>C on the coding strand, the complement: COL4A4 is on the minus strand). VCF-style: chr2-227010352-A-G. GRCh37 (hg19) VCF-style: chr2-227875068-A-G.
Other names: short protein forms Y1495H.
Identifiers: ClinVar variation 3342992 (VCV003342992.1).
Genomic context (GRCh38, chr2:227,010,352, plus strand): 5'-TGGGCGATCCTGTATCCATACCAAGGTCTTGATTGTGAGCTTTCTCTTGCCCTTCCAGGT[A>G]TAACAGACTATACCCAGTCCAGAGCCTGGGCATGCCCAGGGGGCAGGTGGGCTCCTGGTC-3'
Protein context (NP_000083.3, residues 1485-1505): PRLWTGYSLL[Tyr1495His]LEGQEKAHNQ